The following is an entry in ClinVar:

NM_001130438.3(SPTAN1):c.1798G>A (p.Ala600Thr)

Gene: SPTAN1 (spectrin alpha, non-erythrocytic 1; plus strand). Cytogenetic location: 9q34.11.
Variant type: single nucleotide variant.
Coding change: c.1798G>A on transcript NM_001130438.3 (MANE Select); coding-DNA position 1798, G replaced by A.
Protein change: p.Ala600Thr; replaces alanine 600 with threonine.
Molecular consequence: missense variant.
Genome position (GRCh38, 1-based): chr9:128,582,841, G>A. VCF-style: chr9-128582841-G-A. GRCh37 (hg19) VCF-style: chr9-131345120-G-A.
Other names: c.1798G>A, p.Ala600Thr (NM_001195532.2, NM_001363759.2, NM_001363765.2 and 5 more transcripts); c.1834G>A, p.Ala612Thr (NM_001375312.2, NM_001375318.1); short protein forms A600T, A612T.
Identifiers: ClinVar variation 1358525 (VCV001358525.9), dbSNP rs2131131343, ClinGen allele CA375055345.
Genomic context (GRCh38, chr9:128,582,841, plus strand): 5'-CGTGATTCTGATGAGCTCAAGAGTTGGGTCAATGAGAAGATGAAAACTGCCACAGATGAA[G>A]CTTATAAAGTAATGTACTGTTAGTGTTGCCATGTAGCACTCGATTAGTAAGCTAAACACA-3'
Protein context (NP_001123910.1, residues 590-610): NEKMKTATDE[Ala600Thr]YKDPSNLQGK

ClinVar aggregate classification (germline): Uncertain significance (1 of 4 stars; one submission).

Conditions:
Early-infantile DEE. Also called: Early infantile epileptic encephalopathy with suppression bursts; Early infantile epileptic encephalopathy; Ohtahara syndrome. Identifiers: Orphanet 1934, MedGen C0393706, MONDO:0800491.

Submission:

Labcorp Genetics (formerly Invitae), Labcorp
Classification: Uncertain significance for Early-infantile DEE. Last evaluated: 2020-12-22. Review status: criteria provided, single submitter. Criteria: Invitae Variant Classification Sherloc (09022015). Collection method: clinical testing. Allele origin: germline.
Comment: In summary, the available evidence is currently insufficient to determine the role of this variant in disease. Therefore, it has been classified as a Variant of Uncertain Significance. Algorithms developed to predict the effect of missense changes on protein structure and function are either unavailable or do not agree on the potential impact of this missense change (SIFT: "Deleterious"; PolyPhen-2: "Benign"; Align-GVGD: "Class C0"). This variant has not been reported in the literature in individuals with SPTAN1-related conditions. This variant is not present in population databases (ExAC no frequency). This sequence change replaces alanine with threonine at codon 600 of the SPTAN1 protein (p.Ala600Thr). The alanine residue is highly conserved and there is a small physicochemical difference between alanine and threonine.